The following is an entry in ClinVar:

NM_015459.5(ATL3):c.424dup (p.Asp142fs)

Genes: LNCROPM (lncRNA regulator of PLAAT3 mediated phospholipid metabolism; plus strand), ATL3 (atlastin GTPase 3; minus strand). Cytogenetic location: 11q13.1.
Variant type: Duplication.
Coding change: c.424dup on transcript NM_015459.5 (MANE Select); coding-DNA position 424, one base duplicated (G; older notation c.424dupG).
Protein change: p.Asp142fs; shifts the reading frame from aspartic acid 142.
Molecular consequence: frameshift variant.
Genome position (GRCh38, 1-based): chr11:63,652,557, C duplicated on the plus strand (G on the coding strand, the reverse complement: ATL3 is on the minus strand); the first of 2 consecutive C bases (chr11:63,652,557-63,652,558); duplicating either gives the same sequence. VCF-style (leftmost placement, unchanged base first): chr11-63652556-T-TC. GRCh37 (hg19) VCF-style: chr11-63420028-T-TC.
Other names: c.370dup, p.Asp124fs (NM_001290048.2); short protein forms D124fs, D142fs.
Identifiers: ClinVar variation 3622400 (VCV003622400.2).

ClinVar aggregate classification (germline): Uncertain significance (1 of 4 stars; one submission).

Conditions:
Neuropathy, hereditary sensory, type 1F. Also called: Hereditary sensory neuropathy type IF; HSN IF. Identifiers: Orphanet 36386, MedGen C3810194, MONDO:0014286, OMIM 615632.

Submission:

Labcorp Genetics (formerly Invitae), Labcorp
Classification: Uncertain significance for Neuropathy, hereditary sensory, type 1F. Last evaluated: 2024-06-11. Review status: criteria provided, single submitter. Criteria: Invitae Variant Classification Sherloc (09022015). Collection method: clinical testing. Allele origin: germline.
Comment: This sequence change creates a premature translational stop signal (p.Asp142Glyfs*7) in the ATL3 gene. It is expected to result in an absent or disrupted protein product. However, the current clinical and genetic evidence is not sufficient to establish whether loss-of-function variants in ATL3 cause disease. This variant is not present in population databases (gnomAD no frequency). This variant has not been reported in the literature in individuals affected with ATL3-related conditions. In summary, the available evidence is currently insufficient to determine the role of this variant in disease. Therefore, it has been classified as a Variant of Uncertain Significance.